The following is an entry in ClinVar:

ClinVar aggregate classification (germline): Pathogenic (1 of 4 stars; one submission).

Conditions:
Primary pulmonary hypertension. Also called: Idiopathic pulmonary hypertension. Identifiers: MedGen C0152171.

Submission:

Labcorp Genetics (formerly Invitae), Labcorp
Classification: Pathogenic for Primary pulmonary hypertension. Last evaluated: 2022-07-12. Review status: criteria provided, single submitter. Criteria: Invitae Variant Classification Sherloc (09022015). Collection method: clinical testing. Allele origin: germline.
Comment: ClinVar contains an entry for this variant (Variation ID: 1072447). Algorithms developed to predict the effect of sequence changes on RNA splicing suggest that this variant may create or strengthen a splice site. This sequence change creates a premature translational stop signal (p.Lys204*) in the BMPR2 gene. It is expected to result in an absent or disrupted protein product. Loss-of-function variants in BMPR2 are known to be pathogenic (PMID: 16429395). This variant is not present in population databases (gnomAD no frequency). This variant has not been reported in the literature in individuals affected with BMPR2-related conditions. For these reasons, this variant has been classified as Pathogenic.

Literature cited by the submitters: PubMed 16429395.

NM_001204.7(BMPR2):c.610A>T (p.Lys204Ter)

Gene: BMPR2 (bone morphogenetic protein receptor type 2; plus strand). Cytogenetic location: 2q33.2.
Variant type: single nucleotide variant.
Coding change: c.610A>T on transcript NM_001204.7 (MANE Select); coding-DNA position 610, A replaced by T.
Protein change: p.Lys204Ter; replaces lysine 204 with a stop codon.
Molecular consequence: nonsense.
Genome position (GRCh38, 1-based): chr2:202,514,968, A>T. VCF-style: chr2-202514968-A-T. GRCh37 (hg19) VCF-style: chr2-203379691-A-T.
Other names: short protein forms K204*.
Identifiers: ClinVar variation 1072447 (VCV001072447.8), dbSNP rs2106003228, ClinGen allele CA350339133.